The following is an entry in ClinVar:

ClinVar aggregate classification (germline): Uncertain significance (1 of 4 stars; one submission).

Submission:

GeneDx
Classification: Uncertain significance. Last evaluated: 2019-04-12. Review status: criteria provided, single submitter. Criteria: GeneDx Variant Classification Process June 2021. Collection method: clinical testing. Allele origin: germline. Affected: yes.
Comment: Has not been previously published as pathogenic or benign to our knowledge

NM_001267550.2(TTN):c.84503A>C (p.Lys28168Thr)

Genes: TTN (titin; minus strand), TTN-AS1 (TTN antisense RNA 1; plus strand). Cytogenetic location: 2q31.2.
Variant type: single nucleotide variant.
Coding change: c.84503A>C on transcript NM_001267550.2 (MANE Select); coding-DNA position 84503, A replaced by C.
Protein change: p.Lys28168Thr; replaces lysine 28168 with threonine.
Molecular consequence: missense variant.
Genome position (GRCh38, 1-based): chr2:178,561,629, T>G on the plus strand (A>C on the coding strand, the complement: TTN is on the minus strand). VCF-style: chr2-178561629-T-G. GRCh37 (hg19) VCF-style: chr2-179426356-T-G.
Other names: c.79580A>C, p.Lys26527Thr (NM_001256850.1); c.57308A>C, p.Lys19103Thr (NM_003319.4); c.76799A>C, p.Lys25600Thr (NM_133378.4); c.57683A>C, p.Lys19228Thr (NM_133432.3); c.57884A>C, p.Lys19295Thr (NM_133437.4); short protein forms K19103T, K19228T, K19295T, K25600T, K26527T, K28168T.
Identifiers: ClinVar variation 1304857 (VCV001304857.2), dbSNP rs2154159898, ClinGen allele CA349559698.